The following is an entry in ClinVar:

NM_006231.4(POLE):c.4837G>T (p.Val1613Leu)

Gene: POLE (DNA polymerase epsilon, catalytic subunit; minus strand). Cytogenetic location: 12q24.33.
Variant type: single nucleotide variant.
Coding change: c.4837G>T on transcript NM_006231.4 (MANE Select); coding-DNA position 4837, G replaced by T.
Protein change: p.Val1613Leu; replaces valine 1613 with leucine.
Molecular consequence: missense variant.
Genome position (GRCh38, 1-based): chr12:132,642,621, C>A on the plus strand (G>T on the coding strand, the complement: POLE is on the minus strand). VCF-style: chr12-132642621-C-A. GRCh37 (hg19) VCF-style: chr12-133219207-C-A.
Other names: short protein forms V1613L.
Identifiers: ClinVar variation 4742038 (VCV004742038.1).

ClinVar aggregate classification (germline): Uncertain significance (1 of 4 stars; one submission).

Submission:

Labcorp Genetics (formerly Invitae), Labcorp
Classification: Uncertain significance. Last evaluated: 2025-02-26. Review status: criteria provided, single submitter. Criteria: Invitae Variant Classification Sherloc (09022015). Collection method: clinical testing. Allele origin: germline.
Comment: This sequence change replaces valine, which is neutral and non-polar, with leucine, which is neutral and non-polar, at codon 1613 of the POLE protein (p.Val1613Leu). This variant is not present in population databases (gnomAD no frequency). This variant has not been reported in the literature in individuals affected with POLE-related conditions. Invitae Evidence Modeling of protein sequence and biophysical properties (such as structural, functional, and spatial information, amino acid conservation, physicochemical variation, residue mobility, and thermodynamic stability) indicates that this missense variant is not expected to disrupt POLE protein function with a negative predictive value of 80%. In summary, the available evidence is currently insufficient to determine the role of this variant in disease. Therefore, it has been classified as a Variant of Uncertain Significance.